The following is an entry in ClinVar:

ClinVar aggregate classification (germline): Conflicting classifications of pathogenicity. Review status: criteria provided, conflicting classifications (1 of 4 stars). 2 submissions from 2 submitters: Uncertain significance (1); Likely benign (1). Last evaluated 2024-03-21.

Allele frequency attached by ClinVar (database versions not stated): gnomAD exomes 0.00001 and 0.00004; ExAC 0.00005; TOPMed 0.00008; gnomAD 0.00009.
gnomAD v4.1: 60 of 1,612,734 alleles (0.0037%); highest among the groups gnomAD compares: East Asian, 0.042%; no homozygotes.

Submissions (2):

Blueprint Genetics
Classification: Likely benign. Last evaluated: 2024-03-21. Review status: criteria provided, single submitter. Criteria: ACMG Guidelines, 2015. Collection method: clinical testing. Allele origin: germline.

Labcorp Genetics (formerly Invitae), Labcorp
Classification: Uncertain significance. Last evaluated: 2023-11-27. Review status: criteria provided, single submitter. Criteria: Invitae Variant Classification Sherloc (09022015). Collection method: clinical testing. Allele origin: germline.
Comment: This sequence change replaces alanine, which is neutral and non-polar, with valine, which is neutral and non-polar, at codon 719 of the RBP3 protein (p.Ala719Val). This variant is present in population databases (rs375567540, gnomAD 0.04%). This missense change has been observed in individual(s) with retinal dystrophy (Invitae). ClinVar contains an entry for this variant (Variation ID: 852630). Algorithms developed to predict the effect of missense changes on protein structure and function output the following: SIFT: "Not Available"; PolyPhen-2: "Benign"; Align-GVGD: "Not Available". The valine amino acid residue is found in multiple mammalian species, which suggests that this missense change does not adversely affect protein function. In summary, the available evidence is currently insufficient to determine the role of this variant in disease. Therefore, it has been classified as a Variant of Uncertain Significance.

NM_002900.3(RBP3):c.2156C>T (p.Ala719Val)

Gene: RBP3 (retinol binding protein 3; plus strand). Cytogenetic location: 10q11.22.
Variant type: single nucleotide variant.
Coding change: c.2156C>T on transcript NM_002900.3 (MANE Select); coding-DNA position 2156, C replaced by T.
Protein change: p.Ala719Val; replaces alanine 719 with valine.
Molecular consequence: missense variant.
Genome position (GRCh38, 1-based): chr10:47,350,640, C>T. VCF-style: chr10-47350640-C-T. GRCh37 (hg19) VCF-style: chr10-48388722-G-A.
Other names: short protein forms A719V.
Identifiers: ClinVar variation 852630 (VCV000852630.9), dbSNP rs375567540, ClinGen allele CA5487344.
Genomic context (GRCh38, chr10:47,350,640, plus strand): 5'-TGCTAGTGTTCCACAGCCCTGGCGAGCTGGTGGTAGAGGAAGCACCCCCACCACCCCCTG[C>T]TGTCCCCTCTCCAGAGGAGCTCACCTACCTTATTGAGGCCCTGTTCAAGACAGAGGTGCT-3'
Protein context (NP_002891.1, residues 709-729): VVEEAPPPPP[Ala719Val]VPSPEELTYL